The following is an entry in ClinVar:

NM_000338.3(SLC12A1):c.1663G>A (p.Ala555Thr)

Gene: SLC12A1 (solute carrier family 12 member 1; plus strand). Cytogenetic location: 15q21.1.
Variant type: single nucleotide variant.
Coding change: c.1663G>A on transcript NM_000338.3 (MANE Select); coding-DNA position 1663, G replaced by A.
Protein change: p.Ala555Thr; replaces alanine 555 with threonine.
Molecular consequence: missense variant.
Genome position (GRCh38, 1-based): chr15:48,247,439, G>A. VCF-style: chr15-48247439-G-A. GRCh37 (hg19) VCF-style: chr15-48539636-G-A.
Other names: c.1663G>A, p.Ala555Thr (NM_001184832.2, NM_001384136.1); short protein forms A555T.
Identifiers: ClinVar variation 3251852 (VCV003251852.2), dbSNP rs2505087791.

ClinVar aggregate classification (germline): Likely pathogenic. Review status: criteria provided, multiple submitters, no conflicts (2 of 4 stars). 2 submissions from 2 submitters: Likely pathogenic (2). Last evaluated 2024-04-19.

Conditions:
Bartter syndrome. Identifiers: Orphanet 112, MedGen C0004775, MONDO:0015231.
Bartter disease type 1. Also called: Bartter syndrome, type 1, antenatal; HYPERPROSTAGLANDIN E SYNDROME 1; HYPOKALEMIC ALKALOSIS WITH HYPERCALCIURIA 1, ANTENATAL; Bartter Syndrome type 1. Identifiers: Orphanet 112, Orphanet 620217, MedGen C1866495, MONDO:0100344, OMIM 601678, MONDO:0011127.

Allele frequency attached by ClinVar (database versions not stated): gnomAD exomes below 0.00001.
gnomAD v4.1: 3 of 1,609,000 alleles (0.00019%); highest among the groups gnomAD compares: Non-Finnish European, 0.00026%; no homozygotes.

Submissions (2):

Fulgent Genetics
Classification: Likely pathogenic for Bartter disease type 1. Last evaluated: 2024-04-19. Review status: criteria provided, single submitter. Criteria: ACMG Guidelines, 2015. Collection method: clinical testing. Allele origin: germline.

Women's Health and Genetics/Laboratory Corporation of America, LabCorp
Classification: Likely pathogenic for Bartter syndrome. Last evaluated: 2024-04-19. Review status: criteria provided, single submitter. Criteria: LabCorp Variant Classification Summary - May 2015. Collection method: clinical testing. Allele origin: germline.
Comment: Variant summary: SLC12A1 c.1663G>A (p.Ala555Thr) results in a non-conservative amino acid change located in the Amino acid permease/ SLC12A domain (IPR004841) of the encoded protein sequence. Five of five in-silico tools predict a damaging effect of the variant on protein function. The variant was absent in 248672 control chromosomes (gnomAD). c.1663G>A has been reported in the literature in individuals affected with Bartter Syndrome, Type 1 (Ji_2008, Puricelli_2010). These data indicate that the variant is likely to be associated with disease. To our knowledge, no experimental evidence demonstrating an impact on protein function has been reported. The following publications have been ascertained in the context of this evaluation (PMID: 18391953, 20219833). No submitters have cited clinical-significance assessments for this variant to ClinVar. Based on the evidence outlined above, the variant was classified as likely pathogenic.

Literature cited by the submitters: PubMed 18391953 (cited by Women's Health and Genetics/Laboratory Corporation of America, LabCorp); PubMed 20219833 (cited by Women's Health and Genetics/Laboratory Corporation of America, LabCorp).